The following is an entry in ClinVar:

NM_001164508.2(NEB):c.1896+2T>C

Gene: NEB (nebulin; minus strand). Cytogenetic location: 2q23.3.
Variant type: single nucleotide variant.
Coding change: c.1896+2T>C on transcript NM_001164508.2 (MANE Select); the canonical splice donor site of the intron after coding-DNA position 1896, T replaced by C.
Molecular consequence: splice donor variant.
Genome position (GRCh38, 1-based): chr2:151,694,321, A>G on the plus strand (T>C on the coding strand, the complement: NEB is on the minus strand). VCF-style: chr2-151694321-A-G. GRCh37 (hg19) VCF-style: chr2-152550835-A-G.
Other names: NM_001164508.2:c.1896+2T>C; c.1896+2T>C (NM_004543.5, NM_001164507.2, NM_001271208.2).
Identifiers: ClinVar variation 3776996 (VCV003776996.3).

ClinVar aggregate classification (germline): Conflicting classifications of pathogenicity. Review status: criteria provided, conflicting classifications (1 of 4 stars). 3 submissions from 3 submitters: Likely pathogenic (1); Uncertain significance (2). Last evaluated 2026-06-18.

Conditions:
Nemaline myopathy. Also called: Myopathies, Nemaline. Identifiers: Orphanet 607, MedGen C0206157, MONDO:0018958.
Nemaline myopathy 2 (NEM2). Also called: Nemaline myopathy 2, autosomal recessive. Identifiers: MedGen C1850569, MONDO:0009725, OMIM 256030.

gnomAD v4.1: 2 of 1,611,928 alleles (0.00012%); highest among the groups gnomAD compares: Non-Finnish European, 0.000085%; no homozygotes.

Submissions (3):

Myriad Genetics, Inc.
Classification: Uncertain significance for Nemaline myopathy 2. Last evaluated: 2026-06-18. Review status: criteria provided, single submitter. Criteria: Myriad Autosomal Dominant, Autosomal Recessive and X-Linked Classification Criteria (2023). Collection method: clinical testing. Allele origin: unknown.
Comment: NM_001271208.1(NEB):c.1896+2T>C is a variant in a canonical splice site classified as a variant of uncertain significance in the context of NEB-related nemaline myopathy. c.1896+2T>C has not been observed in cases with relevant disease. Relevant functional assessments of this variant are not available in the literature. c.1896+2T>C has not been observed in referenced population frequency databases. In summary, there is insufficient evidence to classify NM_001271208.1(NEB):c.1896+2T>C as pathogenic or benign. Please note: this variant was assessed in the context of healthy population screening.

Labcorp Genetics (formerly Invitae), Labcorp
Classification: Likely pathogenic for Nemaline myopathy 2. Last evaluated: 2025-04-09. Review status: criteria provided, single submitter. Criteria: Invitae Variant Classification Sherloc (09022015). Collection method: clinical testing. Allele origin: germline.
Comment: This sequence change affects a donor splice site in intron 20 of the NEB gene. It is expected to disrupt RNA splicing. Variants that disrupt the donor or acceptor splice site typically lead to a loss of protein function (PMID: 16199547), and loss-of-function variants in NEB are known to be pathogenic (PMID: 25205138). This variant is not present in population databases (gnomAD no frequency). Disruption of this splice site has been observed in individual(s) with nemaline myopathy (PMID: 27105866). Algorithms developed to predict the effect of sequence changes on RNA splicing suggest that this variant may disrupt the consensus splice site. In summary, the currently available evidence indicates that the variant is pathogenic, but additional data are needed to prove that conclusively. Therefore, this variant has been classified as Likely Pathogenic.

Broad Center for Mendelian Genomics, Broad Institute of MIT and Harvard
Classification: Uncertain significance for Nemaline myopathy. Last evaluated: 2025-03-21. Review status: criteria provided, single submitter. Criteria: ACMG Guidelines, 2015. Collection method: curation. Allele origin: germline. Inheritance: Autosomal recessive inheritance.
Comment: The c.1896+2T>C variant in NEB has been reported, in the heterozygous state, in one individual with nemaline myopathy (PMID: 27105866), and has been identified in 0.00008% (1/1177988) of European (non-Finnish) chromosomes by the Genome Aggregation Database (gnomAD). Although this variant has been seen in the general population in a heterozygous state, its frequency is low enough to be consistent with a recessive carrier frequency. This variant is located in the 5' splice region. Computational tools predict a splicing impact, though this information is not predictive enough to determine pathogenicity. There is an in-frame cryptic splice site 21 bases from the intron-exon boundary, providing evidence that this variant may delete 3 amino acids instead of causing loss of function. However, this information is not predictive enough to determine pathogenicity. Loss of function of the NEB gene is an established disease mechanism in autosomal recessive nemaline myopathy. In summary, while there is some suspicion for a pathogenic role, the clinical significance of this variant is uncertain. ACMG/AMP Criteria applied: PVS1_moderate, PM2_supporting (Richards 2015).

Literature cited by the submitters: PubMed 16199547 (cited by Labcorp Genetics (formerly Invitae), Labcorp); PubMed 25205138 (cited by Labcorp Genetics (formerly Invitae), Labcorp); PubMed 27105866 (cited by Labcorp Genetics (formerly Invitae), Labcorp).